The following is an entry in ClinVar:

ClinVar aggregate classification (germline): Pathogenic/Likely pathogenic. Review status: criteria provided, multiple submitters, no conflicts (2 of 4 stars). 5 submissions from 5 submitters: Pathogenic (2); Likely pathogenic (3). Last evaluated 2025-11-23.

Conditions:
Retinitis pigmentosa 25 (RP25). Identifiers: Orphanet 791, MedGen C1864446, MONDO:0011272, OMIM 602772.
EYS-related disorder. Also called: EYS-related condition.

Allele frequency attached by ClinVar (database versions not stated): gnomAD 0.00001; TOPMed 0.00003.
gnomAD v4.1: 9 of 1,546,152 alleles (0.00058%); highest among the groups gnomAD compares: Non-Finnish European, 0.00079%; no homozygotes.

Submissions (5):

Labcorp Genetics (formerly Invitae), Labcorp
Classification: Pathogenic. Last evaluated: 2025-11-23. Review status: criteria provided, single submitter. Criteria: Invitae Variant Classification Sherloc (09022015). Collection method: clinical testing. Allele origin: germline.
Comment: This sequence change creates a premature translational stop signal (p.Tyr988*) in the EYS gene. It is expected to result in an absent or disrupted protein product. Loss-of-function variants in EYS are known to be pathogenic (PMID: 18836446, 20333770). This variant is not present in population databases (gnomAD no frequency). This variant has not been reported in the literature in individuals affected with EYS-related conditions. ClinVar contains an entry for this variant (Variation ID: 866396). For these reasons, this variant has been classified as Pathogenic.

Natera, Inc.
Classification: Likely pathogenic for Retinitis pigmentosa type 25. Last evaluated: 2025-10-29. Review status: criteria provided, single submitter. Criteria: Natera Variant Classification Schema (03/2026). Collection method: clinical testing. Allele origin: germline.
Comment: The c.2964C>G variant in EYS is a nonsense variant predicted to introduce a stop codon at amino acid 988. This variant is expected to result in nonsense mediated decay, truncation, or a dysfunctional protein product. This variant is rare in the general population with a frequency below the threshold expected for the associated phenotype(s). Given the available evidence, this variant is classified as Likely Pathogenic.

Fulgent Genetics
Classification: Likely pathogenic for Retinitis pigmentosa 25. Last evaluated: 2024-03-18. Review status: criteria provided, single submitter. Criteria: ACMG Guidelines, 2015. Collection method: clinical testing. Allele origin: germline.

Baylor Genetics
Classification: Likely pathogenic for Retinitis pigmentosa 25. Last evaluated: 2022-08-26. Review status: criteria provided, single submitter. Criteria: ACMG Guidelines, 2015. Collection method: clinical testing. Allele origin: unknown.

Blueprint Genetics
Classification: Pathogenic for EYS-related disorders. Last evaluated: 2019-07-16. Review status: criteria provided, single submitter. Criteria: ACMG Guidelines, 2015. Collection method: clinical testing. Allele origin: germline. Affected: yes. Observed: 5 variant alleles.

Literature cited by the submitters: PubMed 18836446 (cited by Labcorp Genetics (formerly Invitae), Labcorp); PubMed 20333770 (cited by Labcorp Genetics (formerly Invitae), Labcorp).

NM_001142800.2(EYS):c.2964C>G (p.Tyr988Ter)

Gene: EYS (EGF-like photoreceptor maintenance factor; minus strand). Cytogenetic location: 6q12.
Variant type: single nucleotide variant.
Coding change: c.2964C>G on transcript NM_001142800.2 (MANE Select); coding-DNA position 2964, C replaced by G.
Protein change: p.Tyr988Ter; replaces tyrosine 988 with a stop codon.
Molecular consequence: nonsense.
Genome position (GRCh38, 1-based): chr6:64,886,725, G>C on the plus strand (C>G on the coding strand, the complement: EYS is on the minus strand). VCF-style: chr6-64886725-G-C. GRCh37 (hg19) VCF-style: chr6-65596618-G-C.
Other names: c.2964C>G, p.Tyr988Ter (NM_001292009.2); short protein forms Y988*.
Identifiers: ClinVar variation 866396 (VCV000866396.13), dbSNP rs1245121527, ClinGen allele CA364788655.